The following is an entry in ClinVar:

NM_002691.4(POLD1):c.1006C>T (p.Gln336Ter)

Gene: POLD1 (DNA polymerase delta 1, catalytic subunit; plus strand). Cytogenetic location: 19q13.33.
Variant type: single nucleotide variant.
Coding change: c.1006C>T on transcript NM_002691.4 (MANE Select); coding-DNA position 1006, C replaced by T.
Protein change: p.Gln336Ter; replaces glutamine 336 with a stop codon.
Molecular consequence: nonsense. On other transcripts: non-coding transcript variant (1).
Genome position (GRCh38, 1-based): chr19:50,403,088, C>T. VCF-style: chr19-50403088-C-T. GRCh37 (hg19) VCF-style: chr19-50906345-C-T.
Other names: c.1006C>T, p.Gln336Ter (NM_001256849.1, NM_001308632.1); short protein forms Q336*.
Identifiers: ClinVar variation 3421978 (VCV003421978.1).

ClinVar aggregate classification (germline): Uncertain significance (1 of 4 stars; one submission).

Conditions:
Hereditary cancer-predisposing syndrome. Also called: Neoplastic Syndromes, Hereditary; Tumor predisposition; Hereditary Cancer Syndrome; Hereditary neoplastic syndrome. Identifiers: Orphanet 140162, MedGen C0027672, MeSH D009386, MONDO:0015356.

Submission:

Ambry Genetics
Classification: Uncertain significance for Hereditary cancer-predisposing syndrome. Last evaluated: 2024-11-08. Review status: criteria provided, single submitter. Criteria: Ambry Variant Classification Scheme 2023. Collection method: clinical testing. Allele origin: germline.
Comment: The p.Q336* variant (also known as c.1006C>T), located in coding exon 8 of the POLD1 gene, results from a C to T substitution at nucleotide position 1006. This changes the amino acid from a glutamine to a stop codon within coding exon 8. This alteration is expected to result in loss of function by premature protein truncation or nonsense-mediated mRNA decay. However, loss of function of POLD1 has not been established as a mechanism of disease. Based on the available evidence, the clinical significance of this alteration remains unclear.